The following is an entry in ClinVar:

NM_182961.4(SYNE1):c.8468A>T (p.Asp2823Val)

Gene: SYNE1 (spectrin repeat containing nuclear envelope protein 1; minus strand). Cytogenetic location: 6q25.2.
Variant type: single nucleotide variant.
Coding change: c.8468A>T on transcript NM_182961.4 (MANE Select); coding-DNA position 8468, A replaced by T.
Protein change: p.Asp2823Val; replaces aspartic acid 2823 with valine.
Molecular consequence: missense variant.
Genome position (GRCh38, 1-based): chr6:152,387,091, T>A on the plus strand (A>T on the coding strand, the complement: SYNE1 is on the minus strand). VCF-style: chr6-152387091-T-A. GRCh37 (hg19) VCF-style: chr6-152708226-T-A.
Other names: c.8489A>T, p.Asp2830Val (NM_033071.5); short protein forms D2823V, D2830V.
Identifiers: ClinVar variation 2584913 (VCV002584913.1), dbSNP rs545685387, ClinGen allele CA4057547.

ClinVar aggregate classification (germline): Uncertain significance (1 of 4 stars; one submission).

Conditions:
Emery-Dreifuss muscular dystrophy 4, autosomal dominant (EDMD4). Also called: EMERY-DREIFUSS MUSCULAR DYSTROPHY 4 WITH VARIABLE FEATURES. Identifiers: Orphanet 261, MedGen C2751807, MONDO:0013071, OMIM 612998.

Allele frequency attached by ClinVar (database versions not stated): ExAC 0.00004; 1000 Genomes Project 30x 0.00031; 1000 Genomes Project 0.00040.
gnomAD v4.1: 8 of 1,613,842 alleles (0.0005%); highest among the groups gnomAD compares: South Asian, 0.0066%; no homozygotes.

Submission:

Neuberg Centre For Genomic Medicine, NCGM
Classification: Uncertain significance for Emery-Dreifuss muscular dystrophy 4, autosomal dominant. Review status: criteria provided, single submitter. Criteria: ACMG Guidelines, 2015. Collection method: clinical testing. Allele origin: germline. Inheritance: Autosomal dominant inheritance. Affected: yes.
Comment: The missense variant c.8468A>T (p.Asp2823Val) in SYNE1 gene has not been reported previously as a pathogenic variant nor as a benign variant, to our knowledge. The p.Asp2823Val variant has allele frequency 0.001% in gnomAD exomes and novel (not in any individuals) in 1000 Genomes. This variant has not been reported to the ClinVar database.The amino acid Asp at position 2823 is changed to a Val changing protein sequence and it might alter its composition and physico-chemical properties. The amino acid change p.Asp2823Val in SYNE1 is predicted as conserved by GERP++ and PhyloP across 100 vertebrates. For these reasons, this variant has been classified as Uncertain Significance (VUS).